The following is an entry in ClinVar:

ClinVar aggregate classification (germline): Uncertain significance (1 of 4 stars; one submission).

Conditions:
Microcephaly, normal intelligence and immunodeficiency (NBS). Also called: Ataxia telangiectasia variant V1; SEEMANOVA SYNDROME II; Immunodeficiency, microcephaly with normal intelligence; Nijmegen breakage syndrome; Microcephaly with normal intelligence immunodeficiency and lymphoreticular malignancies; Nonsyndromal microcephaly autosomal recessive with normal intelligence. Identifiers: Orphanet 647, MedGen C0398791, MONDO:0009623, OMIM 251260.

Submission:

Labcorp Genetics (formerly Invitae), Labcorp
Classification: Uncertain significance for Microcephaly, normal intelligence and immunodeficiency. Last evaluated: 2022-12-06. Review status: criteria provided, single submitter. Criteria: Invitae Variant Classification Sherloc (09022015). Collection method: clinical testing. Allele origin: germline.
Comment: ClinVar contains an entry for this variant (Variation ID: 582583). Algorithms developed to predict the effect of missense changes on protein structure and function are either unavailable or do not agree on the potential impact of this missense change (SIFT: "Deleterious"; PolyPhen-2: "Probably Damaging"; Align-GVGD: "Class C0"). In summary, the available evidence is currently insufficient to determine the role of this variant in disease. Therefore, it has been classified as a Variant of Uncertain Significance. This sequence change replaces phenylalanine, which is neutral and non-polar, with cysteine, which is neutral and slightly polar, at codon 688 of the NBN protein (p.Phe688Cys). This variant is not present in population databases (gnomAD no frequency). This variant has not been reported in the literature in individuals affected with NBN-related conditions.

NM_002485.5(NBN):c.2063T>G (p.Phe688Cys)

Gene: NBN (nibrin; minus strand). Cytogenetic location: 8q21.3.
Variant type: single nucleotide variant.
Coding change: c.2063T>G on transcript NM_002485.5 (MANE Select); coding-DNA position 2063, T replaced by G.
Protein change: p.Phe688Cys; replaces phenylalanine 688 with cysteine.
Molecular consequence: missense variant.
Genome position (GRCh38, 1-based): chr8:89,946,147, A>C on the plus strand (T>G on the coding strand, the complement: NBN is on the minus strand). VCF-style: chr8-89946147-A-C. GRCh37 (hg19) VCF-style: chr8-90958375-A-C.
Other names: c.1817T>G, p.Phe606Cys (NM_001024688.3); short protein forms F688C, F606C.
Identifiers: ClinVar variation 582583 (VCV000582583.10), dbSNP rs1563512800, ClinGen allele CA371676328.